The following is an entry in ClinVar:

NM_000540.3(RYR1):c.12852CACGGCGGC[3] (p.4285TAA[3])

Gene: RYR1 (ryanodine receptor 1; plus strand). Cytogenetic location: 19q13.2.
Variant type: Microsatellite.
Coding change: c.12852CACGGCGGC[3] on transcript NM_000540.3 (MANE Select); three copies in a row of the 9-base unit CACGGCGGC starting at c.12852; the reference has two copies in a row; one copy, 9 bases duplicated; also written c.12861_12869dup.
Protein change: p.4285TAA[3].
Molecular consequence: inframe insertion.
Genome position (GRCh38, 1-based): chr19:38,565,195-38,565,203, CACGGCGGC duplicated; duplicating any 9 consecutive bases within chr19:38,565,186-38,565,203 gives the same sequence; the position shown is the placement nearest the transcript's 3' end. VCF-style (leftmost placement, unchanged base first): chr19-38565185-G-GCACGGCGGC. GRCh37 (hg19) VCF-style: chr19-39055825-G-GCACGGCGGC.
Other names: p.Thr4288_Ala4290dup; c.12861_12869dupCACGGCGGC (NM_000540.2); c.12837CACGGCGGC[3], p.4280TAA[3] (NM_001042723.2); c.12861_12869dup (NM_000540.3).
Identifiers: ClinVar variation 93248 (VCV000093248.58), dbSNP rs398123469, ClinGen allele CA024013.
Genomic context (GRCh38, chr19:38,565,185, plus strand): 5'-GCGCGGGCGCGGCGGAGGCGGGCGCGGAAGGCGCGGAGGAGGGCGCGGCGGGGCTCGAGG[G>GCACGGCGGC]CACGGCGGCCACGGCGGCGGCGGGGGCGACGGCGCGGGTTGTGGCGGCCGCAGGCCGGGC-3'

ClinVar aggregate classification (germline): Conflicting classifications of pathogenicity. Review status: criteria provided, conflicting classifications (1 of 4 stars). 11 submissions from 11 submitters: Uncertain significance (3); Benign (6); Likely benign (2). Last evaluated 2026-09-01.

Conditions:
RYR1-related disorder. Also called: RYR1-related condition; RYR1-related disorders. Identifiers: MedGen CN239331.
Inborn genetic diseases. Identifiers: MedGen C0950123, MeSH D030342.
Limb-girdle muscular dystrophy (LGMD). Also called: Muscular Dystrophies, Limb-Girdle. Identifiers: Orphanet 263, MedGen C0686353, MeSH D049288, MONDO:0016971, HP:0006785.

Allele frequency attached by ClinVar (database versions not stated): gnomAD exomes 0.00039; ExAC 0.00321.

Submissions (11):

CeGaT Center for Human Genetics Tuebingen
Classification: Benign. Last evaluated: 2026-09-01. Review status: criteria provided, single submitter. Criteria: CeGaT Center For Human Genetics Tuebingen Variant Classification Criteria Version 2. Collection method: clinical testing. Allele origin: germline. Affected: yes. Observed: 13 variant alleles.
Comment: RYR1: BS1, BS2

Labcorp Genetics (formerly Invitae), Labcorp
Classification: Benign for RYR1-related disorder. Last evaluated: 2026-01-31. Review status: criteria provided, single submitter. Criteria: Invitae Variant Classification Sherloc (09022015). Collection method: clinical testing. Allele origin: germline.

PreventionGenetics, part of Exact Sciences
Classification: Likely benign for RYR1-related condition. Last evaluated: 2025-09-18. Review status: criteria provided, single submitter. Criteria: ACMG Guidelines, 2015. Collection method: clinical testing. Allele origin: germline.
Comment: This variant is classified as likely benign based on ACMG/AMP sequence variant interpretation guidelines (Richards et al. 2015 PMID: 25741868, with internal and published modifications).

Blueprint Genetics
Classification: Likely benign. Last evaluated: 2024-11-21. Review status: criteria provided, single submitter. Criteria: ACMG Guidelines, 2015. Collection method: clinical testing. Allele origin: germline.

Mayo Clinic Laboratories, Mayo Clinic
Classification: Benign. Last evaluated: 2024-02-29. Review status: criteria provided, single submitter. Criteria: ACMG Guidelines, 2015. Collection method: clinical testing. Allele origin: germline. Observed: 5 variant alleles.
Comment: BA1, BS2

Laboratory for Molecular Medicine, Mass General Brigham Personalized Medicine
Classification: Benign. Last evaluated: 2021-11-05. Review status: criteria provided, single submitter. Criteria: ACMG Guidelines, 2015. Collection method: clinical testing. Allele origin: germline.
Comment: The p.Ala4290_Ala4291insThrAlaAla variant in RYR1 is classified as benign because it has been identified in 2.53% (205/8116) of African/African-American chromosomes, including 3 homozygotes, by gnomAD. ACMG/AMP Criteria applied: BA

Cambridge Genomics Laboratory, East Genomic Laboratory Hub, NHS Genomic Medicine Service
Classification: Uncertain significance for Limb-girdle muscular dystrophy. Last evaluated: 2019-09-03. Review status: criteria provided, single submitter. Criteria: ACGS Best Practice Guidelines for Variant Classification in Rare Disease 2020. Collection method: clinical testing. Allele origin: germline. Affected: yes. Observed: 1 variant allele.

Ambry Genetics
Classification: Benign for Inborn genetic diseases. Last evaluated: 2019-06-23. Review status: criteria provided, single submitter. Criteria: Ambry exome assertion method (8-5-2015). Collection method: clinical testing. Allele origin: germline. Affected: yes. Observed: 1 variant allele.

GeneDx
Classification: Benign. Last evaluated: 2018-04-11. Review status: criteria provided, single submitter. Criteria: GeneDx Variant Classification Process June 2021. Collection method: clinical testing. Allele origin: germline. Affected: yes.
Comment: This variant is associated with the following publications: (PMID: 30611313, 28326467, 27663056, 26972305, 23476141, 23628358, 23394784, 19807743, 19191329)

Genetic Services Laboratory, University of Chicago
Classification: Uncertain significance. Last evaluated: 2014-01-21. Review status: criteria provided, single submitter. Criteria: ACMG Guidelines, 2007. Collection method: clinical testing. Allele origin: germline.

Eurofins Ntd Llc (ga)
Classification: Uncertain significance. Last evaluated: 2013-03-12. Review status: criteria provided, single submitter. Criteria: EGL Classification Definitions. Collection method: clinical testing. Allele origin: germline. Observed: 1 variant allele, 1 heterozygote.

Literature cited by the submitters: PubMed 19191329 (cited by Mayo Clinic Laboratories, Mayo Clinic and Ambry Genetics); PubMed 19807743 (cited by Mayo Clinic Laboratories, Mayo Clinic and Ambry Genetics); PubMed 23394784 (cited by Mayo Clinic Laboratories, Mayo Clinic and Ambry Genetics); PubMed 30611313 (cited by Mayo Clinic Laboratories, Mayo Clinic); PubMed 23628358 (cited by Ambry Genetics); PubMed 23757202 (cited by Eurofins Ntd Llc (ga)).